The following is an entry in ClinVar:

ClinVar aggregate classification (germline): Conflicting classifications of pathogenicity. Review status: criteria provided, conflicting classifications (1 of 4 stars). 2 submissions from 2 submitters: Uncertain significance (1); Likely benign (1). Last evaluated 2025-02-24.

Conditions:
Granulomatous disease, chronic, X-linked. Also called: CYTOCHROME b-NEGATIVE GRANULOMATOUS DISEASE, CHRONIC, X-LINKED; GRANULOMATOUS DISEASE, CHRONIC, X-LINKED, SOMATIC MOSAIC. Identifiers: Orphanet 379, MedGen C1844376, MONDO:0010600, OMIM 306400.

Submissions (2):

Labcorp Genetics (formerly Invitae), Labcorp
Classification: Uncertain significance for Granulomatous disease, chronic, X-linked. Last evaluated: 2025-02-24. Review status: criteria provided, single submitter. Criteria: Invitae Variant Classification Sherloc (09022015). Collection method: clinical testing. Allele origin: germline.
Comment: This sequence change replaces alanine, which is neutral and non-polar, with threonine, which is neutral and polar, at codon 49 of the CYBB protein (p.Ala49Thr). This variant is not present in population databases (gnomAD no frequency). This variant has not been reported in the literature in individuals affected with CYBB-related conditions. ClinVar contains an entry for this variant (Variation ID: 450082). Invitae Evidence Modeling of protein sequence and biophysical properties (such as structural, functional, and spatial information, amino acid conservation, physicochemical variation, residue mobility, and thermodynamic stability) indicates that this missense variant is not expected to disrupt CYBB protein function with a negative predictive value of 80%. In summary, the available evidence is currently insufficient to determine the role of this variant in disease. Therefore, it has been classified as a Variant of Uncertain Significance.

GeneDx
Classification: Likely benign. Last evaluated: 2018-12-21. Review status: criteria provided, single submitter. Criteria: GeneDx Variant Classification Process June 2021. Collection method: clinical testing. Allele origin: germline. Affected: yes.

NM_000397.4(CYBB):c.145G>A (p.Ala49Thr)

Gene: CYBB (cytochrome b-245 beta chain; plus strand). Cytogenetic location: Xp21.1.
Variant type: single nucleotide variant.
Coding change: c.145G>A on transcript NM_000397.4 (MANE Select); coding-DNA position 145, G replaced by A.
Protein change: p.Ala49Thr; replaces alanine 49 with threonine.
Molecular consequence: missense variant.
Genome position (GRCh38, 1-based): chrX:37,783,493, G>A. VCF-style: chrX-37783493-G-A. GRCh37 (hg19) VCF-style: chrX-37642746-G-A.
Other names: short protein forms A49T.
Identifiers: ClinVar variation 450082 (VCV000450082.4), dbSNP rs1556464851, ClinGen allele CA412972700.